The following is an entry in ClinVar:

ClinVar aggregate classification (germline): Uncertain significance (1 of 4 stars; one submission).

gnomAD v4.1: 9 of 1,211,977 alleles (0.00074%); highest among the groups gnomAD compares: Non-Finnish European, 0.00089%; no homozygotes.

Submission:

GeneDx
Classification: Uncertain significance. Last evaluated: 2026-02-27. Review status: criteria provided, single submitter. Criteria: GeneDx Variant Classification Process June 2021. Collection method: clinical testing. Allele origin: germline.
Comment: Not observed at significant frequency in large population cohorts (gnomAD); In silico analysis supports that this missense variant has a deleterious effect on protein structure/function; Has not been previously published as pathogenic or benign to our knowledge

NM_001183.6(ATP6AP1):c.638A>C (p.Glu213Ala)

Gene: ATP6AP1 (ATPase H+ transporting accessory protein 1; plus strand). Cytogenetic location: Xq28.
Variant type: single nucleotide variant.
Coding change: c.638A>C on transcript NM_001183.6 (MANE Select); coding-DNA position 638, A replaced by C.
Protein change: p.Glu213Ala; replaces glutamic acid 213 with alanine.
Molecular consequence: missense variant.
Genome position (GRCh38, 1-based): chrX:154,433,674, A>C. VCF-style: chrX-154433674-A-C. GRCh37 (hg19) VCF-style: chrX-153662020-A-C.
Other names: short protein forms E213A.
Identifiers: ClinVar variation 5007925 (VCV005007925.1).